The following is an entry in ClinVar:

NM_004333.6(BRAF):c.1431T>C (p.His477=)

Gene: BRAF (B-Raf proto-oncogene, serine/threonine kinase; minus strand). Cytogenetic location: 7q34.
Variant type: single nucleotide variant.
Coding change: c.1431T>C on transcript NM_004333.6 (MANE Select); coding-DNA position 1431, T replaced by C.
Protein change: p.His477=; no amino-acid change (histidine 477 retained).
Molecular consequence: synonymous variant.
Genome position (GRCh38, 1-based): chr7:140,781,577, A>G on the plus strand (T>C on the coding strand, the complement: BRAF is on the minus strand). VCF-style: chr7-140781577-A-G. GRCh37 (hg19) VCF-style: chr7-140481377-A-G.
Other names: c.1431T>C, p.His477= (NM_001354609.2, NM_001378468.1, NM_001378474.1); c.1551T>C, p.His517= (NM_001374244.1, NM_001374258.1); c.1440T>C, p.His480= (NM_001378467.1); c.1365T>C, p.His455= (NM_001378469.1); c.1329T>C, p.His443= (NM_001378470.1); c.1320T>C, p.His440= (NM_001378471.1); c.1275T>C, p.His425= (NM_001378472.1, NM_001378473.1); c.1167T>C, p.His389= (NM_001378475.1).
Identifiers: ClinVar variation 2893533 (VCV002893533.3), dbSNP rs1439898547, ClinGen allele CA458115916.

ClinVar aggregate classification (germline): Uncertain significance (1 of 4 stars; one submission).

Conditions:
RASopathy. Also called: Noonan spectrum disorder; rasopathies. Identifiers: Orphanet 536391, MedGen C5555857, MONDO:0021060.

Allele frequency attached by ClinVar (database versions not stated): gnomAD exomes below 0.00001; TOPMed below 0.00001; gnomAD 0.00001.
gnomAD v4.1: 8 of 1,612,594 alleles (0.0005%); highest among the groups gnomAD compares: Non-Finnish European, 0.00068%; no homozygotes.

Submission:

Labcorp Genetics (formerly Invitae), Labcorp
Classification: Uncertain significance for RASopathy. Last evaluated: 2023-02-21. Review status: criteria provided, single submitter. Criteria: Invitae Variant Classification Sherloc (09022015). Collection method: clinical testing. Allele origin: germline.
Comment: In summary, the available evidence is currently insufficient to determine the role of this variant in disease. Therefore, it has been classified as a Variant of Uncertain Significance. Algorithms developed to predict the effect of sequence changes on RNA splicing suggest that this variant is not likely to affect RNA splicing. This variant has not been reported in the literature in individuals affected with BRAF-related conditions. This variant is present in population databases (no rsID available, gnomAD 0.007%). This sequence change affects codon 477 of the BRAF mRNA. It is a 'silent' change, meaning that it does not change the encoded amino acid sequence of the BRAF protein. It affects a nucleotide within the consensus splice site.